The following is an entry in ClinVar:

NM_001040108.2(MLH3):c.3715+6G>T

Gene: MLH3 (mutL homolog 3; minus strand). Cytogenetic location: 14q24.3.
Variant type: single nucleotide variant.
Coding change: c.3715+6G>T on transcript NM_001040108.2 (MANE Select); 6 bases into the intron after coding-DNA position 3715, G replaced by T.
Molecular consequence: intron variant.
Genome position (GRCh38, 1-based): chr14:75,033,413, C>A on the plus strand (G>T on the coding strand, the complement: MLH3 is on the minus strand). VCF-style: chr14-75033413-C-A. GRCh37 (hg19) VCF-style: chr14-75500116-C-A.
Other names: c.3644-1234G>T (NM_014381.3).
Identifiers: ClinVar variation 5042178 (VCV005042178.1).

ClinVar aggregate classification (germline): Likely benign (1 of 4 stars; one submission).

Conditions:
Colorectal cancer, hereditary nonpolyposis, type 7. Identifiers: Orphanet 144, MedGen C1858380, MONDO:0013725, OMIM 614385.

Submission:

Myriad Genetics, Inc.
Classification: Likely benign for Colorectal cancer, hereditary nonpolyposis, type 7. Last evaluated: 2026-09-11. Review status: criteria provided, single submitter. Criteria: Myriad Autosomal Dominant, Autosomal Recessive and X-Linked Classification Criteria (2023). Collection method: clinical testing. Allele origin: unknown.
Comment: This variant is considered likely benign. This variant is intronic and is not expected to impact mRNA splicing.